The following is an entry in ClinVar:

ClinVar aggregate classification (germline): Uncertain significance (1 of 4 stars; one submission).

Submissions (2):

Labcorp Genetics (formerly Invitae), Labcorp
Classification: Uncertain significance. Last evaluated: 2022-03-07. Review status: criteria provided, single submitter. Criteria: Invitae Variant Classification Sherloc (09022015). Collection method: clinical testing. Allele origin: germline.
Comment: In summary, the available evidence is currently insufficient to determine the role of this variant in disease. Therefore, it has been classified as a Variant of Uncertain Significance. Algorithms developed to predict the effect of missense changes on protein structure and function are either unavailable or do not agree on the potential impact of this missense change (SIFT: "Deleterious"; PolyPhen-2: "Benign"; Align-GVGD: "Class C0"). This variant has not been reported in the literature in individuals affected with HUWE1-related conditions. This variant is not present in population databases (gnomAD no frequency). This sequence change replaces glutamic acid, which is acidic and polar, with lysine, which is basic and polar, at codon 2837 of the HUWE1 protein (p.Glu2837Lys).

Dr. Peter K. Rogan Lab, Western University
No classification provided (evidence only). Condition: Nonpapillary renal cell carcinoma. Review status: no classification provided. Collection method: in vitro. Allele origin: not applicable. Functional consequence: retained intron. Not counted in ClinVar's aggregate classification.

NM_031407.7(HUWE1):c.8509G>A (p.Glu2837Lys)

Gene: HUWE1 (HECT, UBA and WWE domain containing E3 ubiquitin protein ligase 1; minus strand). Cytogenetic location: Xp11.22.
Variant type: single nucleotide variant.
Coding change: c.8509G>A on transcript NM_031407.7 (MANE Select); coding-DNA position 8509, G replaced by A.
Protein change: p.Glu2837Lys; replaces glutamic acid 2837 with lysine.
Molecular consequence: missense variant.
Genome position (GRCh38, 1-based): chrX:53,552,879, C>T on the plus strand (G>A on the coding strand, the complement: HUWE1 is on the minus strand). VCF-style: chrX-53552879-C-T. GRCh37 (hg19) VCF-style: chrX-53579840-C-T.
Other names: short protein forms E2837K.
Identifiers: ClinVar variation 2106774 (VCV002106774.5), dbSNP rs2523432834, ClinGen allele CA413146876.